The following is an entry in ClinVar:

ClinVar aggregate classification (germline): Uncertain significance (1 of 4 stars; one submission).

Conditions:
Inflammatory skin and bowel disease, neonatal, 1. Identifiers: Orphanet 294023, MedGen C3280501, MONDO:0013693, OMIM 614328.

Allele frequency attached by ClinVar (database versions not stated): ExAC 0.00001; gnomAD exomes 0.00002; TOPMed 0.00002; ESP Exome Variant Server 0.00008.
gnomAD v4.1: 27 of 1,612,416 alleles (0.0017%); highest among the groups gnomAD compares: Non-Finnish European, 0.0023%; no homozygotes.

Submission:

Labcorp Genetics (formerly Invitae), Labcorp
Classification: Uncertain significance for Inflammatory skin and bowel disease, neonatal 1. Last evaluated: 2018-11-08. Review status: criteria provided, single submitter. Criteria: Invitae Variant Classification Sherloc (09022015). Collection method: clinical testing. Allele origin: germline.
Comment: This sequence change falls in intron 16 of the ADAM17 gene. It does not directly change the encoded amino acid sequence of the ADAM17 protein, but it affects a nucleotide within the consensus splice site of the intron. This variant is present in population databases (rs376877494, ExAC 0.002%). This variant has not been reported in the literature in individuals with ADAM17-related disease. Nucleotide substitutions within the consensus splice site are a relatively common cause of aberrant splicing (PMID: 17576681, 9536098). Algorithms developed to predict the effect of sequence changes on RNA splicing suggest that this variant is not likely to affect RNA splicing, but this prediction has not been confirmed by published transcriptional studies. In summary, the available evidence is currently insufficient to determine the role of this variant in disease. Therefore, it has been classified as a Variant of Uncertain Significance.

NM_003183.6(ADAM17):c.1993+4G>T

Genes: ADAM17 (ADAM metallopeptidase domain 17; minus strand), IAH1 (isoamyl acetate hydrolyzing esterase 1 (putative); plus strand). Cytogenetic location: 2p25.1.
Variant type: single nucleotide variant.
Coding change: c.1993+4G>T on transcript NM_003183.6 (MANE Select); 4 bases into the intron after coding-DNA position 1993, G replaced by T.
Molecular consequence: intron variant.
Genome position (GRCh38, 1-based): chr2:9,493,743, C>A on the plus strand (G>T on the coding strand, the complement: ADAM17 is on the minus strand). VCF-style: chr2-9493743-C-A. GRCh37 (hg19) VCF-style: chr2-9633872-C-A.
Other names: c.1993+4G>T (LRG_1203t1).
Identifiers: ClinVar variation 660946 (VCV000660946.1), dbSNP rs376877494, ClinGen allele CA1523363.